The following is an entry in ClinVar:

ClinVar aggregate classification (germline): Uncertain significance (1 of 4 stars; one submission).

Allele frequency attached by ClinVar (database versions not stated): gnomAD exomes 0.00001.
gnomAD v4.1: 3 of 1,612,812 alleles (0.00019%); highest among the groups gnomAD compares: Admixed American, 0.005%; no homozygotes.

Submission:

Labcorp Genetics (formerly Invitae), Labcorp
Classification: Uncertain significance. Last evaluated: 2022-11-29. Review status: criteria provided, single submitter. Criteria: Invitae Variant Classification Sherloc (09022015). Collection method: clinical testing. Allele origin: germline.
Comment: Algorithms developed to predict the effect of missense changes on protein structure and function (SIFT, PolyPhen-2, Align-GVGD) all suggest that this variant is likely to be disruptive. In summary, the available evidence is currently insufficient to determine the role of this variant in disease. Therefore, it has been classified as a Variant of Uncertain Significance. ClinVar contains an entry for this variant (Variation ID: 1369497). This variant has not been reported in the literature in individuals affected with C1QTNF5-related conditions. This variant is present in population databases (no rsID available, gnomAD 0.006%). This sequence change replaces glycine, which is neutral and non-polar, with arginine, which is basic and polar, at codon 229 of the C1QTNF5 protein (p.Gly229Arg).

NM_001278431.2(C1QTNF5):c.685G>A (p.Gly229Arg)

Genes: C1QTNF5 (C1q and TNF related 5; minus strand), MFRP (membrane frizzled-related protein; minus strand). Cytogenetic location: 11q23.3.
Variant type: single nucleotide variant.
Coding change: c.685G>A on transcript NM_001278431.2 (MANE Select); coding-DNA position 685, G replaced by A.
Protein change: p.Gly229Arg; replaces glycine 229 with arginine.
Molecular consequence: missense variant. On other transcripts: 3 prime UTR variant (1).
Genome position (GRCh38, 1-based): chr11:119,339,378, C>T on the plus strand (G>A on the coding strand, the complement: C1QTNF5 is on the minus strand). VCF-style: chr11-119339378-C-T. GRCh37 (hg19) VCF-style: chr11-119210088-C-T.
Other names: c.685G>A, p.Gly229Arg (NM_015645.5); c.*1581G>A (NM_031433.4); short protein forms G229R.
Identifiers: ClinVar variation 1369497 (VCV001369497.8), dbSNP rs1447464669, ClinGen allele CA382967868.